The following is an entry in ClinVar:

ClinVar aggregate classification (germline): Uncertain significance (1 of 4 stars; one submission).

Allele frequency attached by ClinVar (database versions not stated): ExAC 0.00003; gnomAD exomes 0.00004 and 0.00009.
gnomAD v4.1: 129 of 1,583,392 alleles (0.0081%); highest among the groups gnomAD compares: Non-Finnish European, 0.011%; no homozygotes.

Submission:

Labcorp Genetics (formerly Invitae), Labcorp
Classification: Uncertain significance. Last evaluated: 2022-07-19. Review status: criteria provided, single submitter. Criteria: Invitae Variant Classification Sherloc (09022015). Collection method: clinical testing. Allele origin: germline.
Comment: In summary, the available evidence is currently insufficient to determine the role of this variant in disease. Therefore, it has been classified as a Variant of Uncertain Significance. Algorithms developed to predict the effect of missense changes on protein structure and function output the following: SIFT: "Not Available"; PolyPhen-2: "Benign"; Align-GVGD: "Not Available". The lysine amino acid residue is found in multiple mammalian species, which suggests that this missense change does not adversely affect protein function. ClinVar contains an entry for this variant (Variation ID: 1489307). This variant has not been reported in the literature in individuals affected with FBN3-related conditions. This variant is present in population databases (rs757402144, gnomAD 0.01%). This sequence change replaces glutamic acid with lysine at codon 1318 of the FBN3 protein (p.Glu1318Lys). The glutamic acid residue is weakly conserved and there is a small physicochemical difference between glutamic acid and lysine.

NM_032447.5(FBN3):c.3952G>A (p.Glu1318Lys)

Gene: FBN3 (fibrillin 3; minus strand). Cytogenetic location: 19p13.2.
Variant type: single nucleotide variant.
Coding change: c.3952G>A on transcript NM_032447.5 (MANE Select); coding-DNA position 3952, G replaced by A.
Protein change: p.Glu1318Lys; replaces glutamic acid 1318 with lysine.
Molecular consequence: missense variant.
Genome position (GRCh38, 1-based): chr19:8,111,986, C>T on the plus strand (G>A on the coding strand, the complement: FBN3 is on the minus strand). VCF-style: chr19-8111986-C-T. GRCh37 (hg19) VCF-style: chr19-8176870-C-T.
Other names: c.3952G>A, p.Glu1318Lys (NM_001321431.2); short protein forms E1318K.
Identifiers: ClinVar variation 1489307 (VCV001489307.6), dbSNP rs757402144, ClinGen allele CA9152263.